The following is an entry in ClinVar:

NM_017849.4(TMEM127):c.698C>A (p.Pro233His)

Gene: TMEM127 (transmembrane protein 127; minus strand). Cytogenetic location: 2q11.2.
Variant type: single nucleotide variant.
Coding change: c.698C>A on transcript NM_017849.4 (MANE Select); coding-DNA position 698, C replaced by A.
Protein change: p.Pro233His; replaces proline 233 with histidine.
Molecular consequence: missense variant.
Genome position (GRCh38, 1-based): chr2:96,253,827, G>T on the plus strand (C>A on the coding strand, the complement: TMEM127 is on the minus strand). VCF-style: chr2-96253827-G-T. GRCh37 (hg19) VCF-style: chr2-96919565-G-T.
Other names: c.698C>A, p.Pro233His (NM_001193304.3); c.446C>A, p.Pro149His (NM_001407282.1, NM_001407283.1); short protein forms P233H, P149H.
Identifiers: ClinVar variation 2195385 (VCV002195385.5), dbSNP rs2104282623, ClinGen allele CA347650969.

ClinVar aggregate classification (germline): Uncertain significance. Review status: criteria provided, multiple submitters, no conflicts (2 of 4 stars). 2 submissions from 2 submitters: Uncertain significance (2). Last evaluated 2025-09-28.

Conditions:
Hereditary cancer-predisposing syndrome. Also called: Tumor predisposition; Hereditary Cancer Syndrome; Hereditary neoplastic syndrome; Neoplastic Syndromes, Hereditary. Identifiers: Orphanet 140162, MedGen C0027672, MeSH D009386, MONDO:0015356.
Hereditary pheochromocytoma and paraganglioma. Also called: Hereditary paragangliomas and pheochromocytomas; Hereditary Paraganglioma-Pheochromocytoma Syndromes; Hereditary pheochromocytoma-paraganglioma. Identifiers: Orphanet 29072, MedGen C4274332, MONDO:0017366.

Submissions (2):

Ambry Genetics
Classification: Uncertain significance for Hereditary cancer-predisposing syndrome. Last evaluated: 2025-09-28. Review status: criteria provided, single submitter. Criteria: Ambry Variant Classification Scheme 2023. Collection method: clinical testing. Allele origin: germline.
Comment: The p.P233H variant (also known as c.698C>A), located in coding exon 3 of the TMEM127 gene, results from a C to A substitution at nucleotide position 698. The proline at codon 233 is replaced by histidine, an amino acid with similar properties. This amino acid position is conserved. In addition, this alteration is predicted to be deleterious by in silico analysis. Based on the available evidence, the clinical significance of this variant remains unclear.

Labcorp Genetics (formerly Invitae), Labcorp
Classification: Uncertain significance for Hereditary pheochromocytoma and paraganglioma. Last evaluated: 2022-09-24. Review status: criteria provided, single submitter. Criteria: Invitae Variant Classification Sherloc (09022015). Collection method: clinical testing. Allele origin: germline.
Comment: This sequence change replaces proline, which is neutral and non-polar, with histidine, which is basic and polar, at codon 233 of the TMEM127 protein (p.Pro233His). In summary, the available evidence is currently insufficient to determine the role of this variant in disease. Therefore, it has been classified as a Variant of Uncertain Significance. Algorithms developed to predict the effect of missense changes on protein structure and function (SIFT, PolyPhen-2, Align-GVGD) all suggest that this variant is likely to be disruptive. This variant has not been reported in the literature in individuals affected with TMEM127-related conditions. This variant is not present in population databases (gnomAD no frequency).